The following is an entry in ClinVar:

ClinVar aggregate classification (germline): Uncertain significance (1 of 4 stars; one submission).

Conditions:
Pheochromocytoma. Also called: MAX-Related Hereditary Paraganglioma-Pheochromocytoma Syndrome. Identifiers: Orphanet 29072, MedGen C0031511, MONDO:0008233, OMIM 171300, HP:0002666.

Allele frequency attached by ClinVar (database versions not stated): gnomAD 0.00001; gnomAD exomes 0.00002 and 0.00003; TOPMed 0.00003; ExAC 0.00006.
gnomAD v4.1: 27 of 1,613,956 alleles (0.0017%); highest among the groups gnomAD compares: Non-Finnish European, 0.0022%; no homozygotes.

Submission:

St. Jude Molecular Pathology, St. Jude Children's Research Hospital
Classification: Uncertain significance for Pheochromocytoma. Last evaluated: 2022-05-23. Review status: criteria provided, single submitter. Criteria: St. Jude Assertion Criteria 2020. Collection method: clinical testing. Allele origin: germline.
Comment: The KIF1B c.2537T>C (p.Val846Ala) missense change has a maximum subpopulation frequency of 0.0070% in gnomAD v2.1.1. This variant occurs in a gene where missense variants are more likely to be damaging based on methods described by Lek et al. (PP2; PMID: 27535533). It is predicted to have a benign effect on protein function (BP4), but to our knowledge this prediction has not been confirmed by functional studies. In summary, this variant meets criteria to be classified as of uncertain significance based on the ACMG/AMP criteria: PP2, BP4.

NM_001365951.3(KIF1B):c.2115+6476T>C

Gene: KIF1B (kinesin family member 1B; plus strand). Cytogenetic location: 1p36.22.
Variant type: single nucleotide variant.
Coding change: c.2115+6476T>C on transcript NM_001365951.3 (MANE Select); 6476 bases into the intron after coding-DNA position 2115, T replaced by C.
Molecular consequence: intron variant. On other transcripts: missense variant (2).
Genome position (GRCh38, 1-based): chr1:10,303,722, T>C. VCF-style: chr1-10303722-T-C. GRCh37 (hg19) VCF-style: chr1-10363780-T-C.
Other names: c.2537T>C, p.Val846Ala (NM_001365953.1, NM_183416.4); c.1977+6476T>C (NM_015074.3); c.2115+6476T>C (NM_001365952.1); short protein forms V846A.
Identifiers: ClinVar variation 1691542 (VCV001691542.4), dbSNP rs764466176, ClinGen allele CA581264.